The following is an entry in ClinVar:

NM_001004334.4(GPR179):c.6847_6848del (p.Leu2283fs)

Gene: GPR179 (G protein-coupled receptor 179; minus strand). Cytogenetic location: 17q12.
Variant type: Microsatellite.
Coding change: c.6847_6848del on transcript NM_001004334.4 (MANE Select); coding-DNA positions 6847 to 6848, 2 bases deleted (CT; older notation c.6847_6848delCT).
Protein change: p.Leu2283fs; shifts the reading frame from leucine 2283.
Molecular consequence: frameshift variant.
Genome position (GRCh38, 1-based): chr17:38,326,721-38,326,722, AG deleted on the plus strand (CT on the coding strand, the reverse complement: GPR179 is on the minus strand); deleting any 2 consecutive bases within chr17:38,326,721-38,326,724 gives the same sequence; the c. name uses the placement nearest the transcript's 3' end. VCF-style (leftmost placement, unchanged base first): chr17-38326720-CAG-C. GRCh37 (hg19) VCF-style: chr17-36482603-CAG-C.
Other names: short protein forms L2283fs.
Identifiers: ClinVar variation 1941509 (VCV001941509.5), dbSNP rs776844195, ClinGen allele CA290102770.

ClinVar aggregate classification (germline): Uncertain significance. Review status: criteria provided, multiple submitters, no conflicts (2 of 4 stars). 2 submissions from 2 submitters: Uncertain significance (2). Last evaluated 2023-10-18.

Submissions (2):

Labcorp Genetics (formerly Invitae), Labcorp
Classification: Uncertain significance. Last evaluated: 2023-10-18. Review status: criteria provided, single submitter. Criteria: Invitae Variant Classification Sherloc (09022015). Collection method: clinical testing. Allele origin: germline.
Comment: This sequence change creates a premature translational stop signal (p.Leu2283Glyfs*36) in the GPR179 gene. While this is not anticipated to result in nonsense mediated decay, it is expected to disrupt the last 85 amino acid(s) of the GPR179 protein. This variant is present in population databases (rs776844195, gnomAD 0.006%). This variant has not been reported in the literature in individuals affected with GPR179-related conditions. Experimental studies and prediction algorithms are not available or were not evaluated, and the functional significance of this variant is currently unknown. In summary, the available evidence is currently insufficient to determine the role of this variant in disease. Therefore, it has been classified as a Variant of Uncertain Significance.

Blueprint Genetics
Classification: Uncertain significance. Last evaluated: 2022-07-26. Review status: criteria provided, single submitter. Criteria: ACMG Guidelines, 2015. Collection method: clinical testing. Allele origin: germline.